The following is an entry in ClinVar:

ClinVar aggregate classification (germline): Likely benign (0 of 4 stars; one submission).

Conditions:
POMGNT1-related disorder. Also called: POMGNT1-related condition; POMGNT1-related disorders. Identifiers: MedGen CN239299.

Allele frequency attached by ClinVar (database versions not stated): TOPMed 0.00001; gnomAD exomes below 0.00001.
gnomAD v4.1: 2 of 1,610,414 alleles (0.00012%); highest among the groups gnomAD compares: African/African-American, 0.0013%; no homozygotes.

Submission:

PreventionGenetics, part of Exact Sciences
Classification: Likely benign for POMGNT1-related condition. Last evaluated: 2019-06-07. Review status: no assertion criteria provided. Collection method: clinical testing. Allele origin: germline.
Comment: This variant is classified as likely benign based on ACMG/AMP sequence variant interpretation guidelines (Richards et al. 2015 PMID: 25741868, with internal and published modifications).

NM_017739.4(POMGNT1):c.*302A>G

Genes: TSPAN1 (tetraspanin 1; plus strand), POMGNT1 (protein O-linked mannose N-acetylglucosaminyltransferase 1 (beta 1,2-); minus strand). Cytogenetic location: 1p34.1.
Variant type: single nucleotide variant.
Coding change: c.*302A>G on transcript NM_017739.4 (MANE Select); 302 bases downstream of the stop codon, A replaced by G.
Molecular consequence: 3 prime UTR variant. On other transcripts: synonymous variant (2).
Genome position (GRCh38, 1-based): chr1:46,188,968, T>C on the plus strand (A>G on the coding strand, the complement: POMGNT1 is on the minus strand). VCF-style: chr1-46188968-T-C. GRCh37 (hg19) VCF-style: chr1-46654640-T-C.
Other names: c.1998A>G, p.Glu666= (NM_001243766.2); c.*41A>G (NM_001290129.3, NM_001290130.2); c.1908A>G, p.Glu636= (NM_001410783.1).
Identifiers: ClinVar variation 3033701 (VCV003033701.2), dbSNP rs1426731829, ClinGen allele CA417886070.